The following is an entry in ClinVar:

ClinVar aggregate classification (germline): Uncertain significance. Review status: criteria provided, multiple submitters, no conflicts (2 of 4 stars). 2 submissions from 2 submitters: Uncertain significance (2). Last evaluated 2026-08-25.

Conditions:
SEMA3F-related disorder. Also called: SEMA3F-related condition.

Allele frequency attached by ClinVar (database versions not stated): gnomAD 0.00001; TOPMed 0.00001; ExAC 0.00002; gnomAD exomes 0.00002; 1000 Genomes Project 30x 0.00016; 1000 Genomes Project 0.00020.

Submissions (2):

PreventionGenetics, part of Exact Sciences
Classification: Uncertain significance for SEMA3F-related condition. Last evaluated: 2026-08-25. Review status: criteria provided, single submitter. Criteria: ACMG Guidelines, 2015. Collection method: clinical testing. Allele origin: germline.
Comment: The SEMA3F c.1600G>A variant is predicted to result in the amino acid substitution p.Val534Met. To our knowledge, this variant has not been reported in the literature. This variant is reported in 0.023% of alleles in individuals of Latino descent in gnomAD. At this time, the clinical significance of this variant is uncertain due to the absence of conclusive functional and genetic evidence.

Ambry Genetics
Classification: Uncertain significance. Last evaluated: 2024-08-07. Review status: criteria provided, single submitter. Criteria: Ambry Variant Classification Scheme 2023. Collection method: clinical testing. Allele origin: germline.

NM_004186.5(SEMA3F):c.1600G>A (p.Val534Met)

Gene: SEMA3F (semaphorin 3F; plus strand). Cytogenetic location: 3p21.31.
Variant type: single nucleotide variant.
Coding change: c.1600G>A on transcript NM_004186.5 (MANE Select); coding-DNA position 1600, G replaced by A.
Protein change: p.Val534Met; replaces valine 534 with methionine.
Molecular consequence: missense variant.
Genome position (GRCh38, 1-based): chr3:50,185,901, G>A. VCF-style: chr3-50185901-G-A. GRCh37 (hg19) VCF-style: chr3-50223334-G-A.
Other names: c.1303G>A, p.Val435Met (NM_001318798.2); c.1507G>A, p.Val503Met (NM_001318800.2); c.1600G>A (NM_004186.4); short protein forms V534M, V435M, V503M.
Identifiers: ClinVar variation 2214940 (VCV002214940.4), dbSNP rs533578727, ClinGen allele CA2412183.